The following is an entry in ClinVar:

ClinVar aggregate classification (germline): Likely benign. Review status: criteria provided, single submitter (1 of 4 stars). 2 submissions from 2 submitters: Likely benign (1). 1 of the submissions does not count toward it. Last evaluated 2022-06-26.

Conditions:
PHIP-related disorder. Also called: PHIP-related disorders; PHIP-related condition.

Allele frequency attached by ClinVar (database versions not stated): gnomAD exomes below 0.00001.
gnomAD v4.1: 4 of 1,598,910 alleles (0.00025%); highest among the groups gnomAD compares: Non-Finnish European, 0.00034%; no homozygotes.

Submissions (2):

Labcorp Genetics (formerly Invitae), Labcorp
Classification: Likely benign. Last evaluated: 2022-06-26. Review status: criteria provided, single submitter. Criteria: Invitae Variant Classification Sherloc (09022015). Collection method: clinical testing. Allele origin: germline.

PreventionGenetics, part of Exact Sciences
Classification: Likely benign for PHIP-related condition. Last evaluated: 2024-01-02. Review status: no assertion criteria provided. Collection method: clinical testing. Allele origin: germline. Not counted in ClinVar's aggregate classification.
Comment: This variant is classified as likely benign based on ACMG/AMP sequence variant interpretation guidelines (Richards et al. 2015 PMID: 25741868, with internal and published modifications).

NM_017934.7(PHIP):c.2790A>G (p.Leu930=)

Genes: IRAK1BP1 (interleukin 1 receptor associated kinase 1 binding protein 1; plus strand), PHIP (PHIP subunit of CUL4-Ring ligase complex; minus strand). Cytogenetic location: 6q14.1.
Variant type: single nucleotide variant.
Coding change: c.2790A>G on transcript NM_017934.7 (MANE Select); coding-DNA position 2790, A replaced by G.
Protein change: p.Leu930=; no amino-acid change (leucine 930 retained).
Molecular consequence: synonymous variant.
Genome position (GRCh38, 1-based): chr6:78,978,691, T>C on the plus strand (A>G on the coding strand, the complement: PHIP is on the minus strand). VCF-style: chr6-78978691-T-C. GRCh37 (hg19) VCF-style: chr6-79688408-T-C.
Other names: c.2790A>G (NM_017934.6).
Identifiers: ClinVar variation 2010800 (VCV002010800.6), dbSNP rs1488931812, ClinGen allele CA451027854.
Genomic context (GRCh38, chr6:78,978,691, plus strand): 5'-AATGGTATCTGTAATCCATGTTGATGGCAACCATTCTTCTAATGTCAAACCATTTTCAGT[T>C]AGTTCTCCCACAGCCAATCTCTGACAAAATTTAAGTAATAATTGTTAAGTAATAATCAAA-3'
Protein context (NP_060404.4, residues 920-940): RKQKRLAVGE[Leu930=]TENGLTLEEW